The following is an entry in ClinVar:

ClinVar aggregate classification (germline): Uncertain significance (1 of 4 stars; one submission).

Submission:

Laboratory for Molecular Medicine, Mass General Brigham Personalized Medicine
Classification: Uncertain significance. Last evaluated: 2013-02-12. Review status: criteria provided, single submitter. Criteria: LMM Criteria. Collection method: clinical testing. Allele origin: germline. Observed: 1 variant allele.
Comment: Variant classified as Uncertain Significance - Favor Benign. The 959+3_959+4insA variant in RDX has not been reported in the literature nor previously identifie d by our laboratory. This variant is located in the 5' splice region but does no t affect the highly conserved +1/2 splice positions. Computational tools do not predict an impact to splicing. However, this information is not predictive enoug h to rule out pathogenicity. In summary, the clinical significance of this varia nt cannot be determined with certainty; however based upon computational predict ions, we would lean towards a more likely benign role.

NM_002906.4(RDX):c.959+3dup

Gene: RDX (radixin; minus strand). Cytogenetic location: 11q22.3.
Variant type: Duplication.
Coding change: c.959+3dup on transcript NM_002906.4 (MANE Select); 3 bases into the intron after coding-DNA position 959, one base duplicated (A; older notation c.959+3dupA).
Molecular consequence: intron variant.
Genome position (GRCh38, 1-based): chr11:110,253,943, T duplicated on the plus strand (A on the coding strand, the reverse complement: RDX is on the minus strand). VCF-style (leftmost placement, unchanged base first): chr11-110253942-A-AT. GRCh37 (hg19) VCF-style: chr11-110124667-A-AT.
Other names: c.959+3_959+4insA (NM_002906.3); c.959+3dupA (NM_002906.3); c.959+3dup (NM_001260493.2, NM_001260492.2); c.-82-6110dup (NM_001260495.2); c.404+4214dup (NM_001260496.2); c.551+3dup (NM_001260494.2).
Identifiers: ClinVar variation 44640 (VCV000044640.5), dbSNP rs397516832, ClinGen allele CA134774.
Genomic context (GRCh38, chr11:110,253,942, plus strand): 5'-GCAGTCTTAAATTTTAGATAGCCTACTCCTATCAATTAAAAGTGAAAGGTCATAAACCCC[A>AT]TACCTTTCCAACTGCTTCTGATGTTTCTCCTCCCTAGCCTGAGCCTTCATCTGTTGTACT-3'